The following is an entry in ClinVar:

ClinVar aggregate classification (germline): Likely benign. Review status: criteria provided, multiple submitters, no conflicts (2 of 4 stars). 2 submissions from 2 submitters: Likely benign (2). Last evaluated 2026-09-01.

Submissions (2):

CeGaT Center for Human Genetics Tuebingen
Classification: Likely benign. Last evaluated: 2026-09-01. Review status: criteria provided, single submitter. Criteria: CeGaT Center For Human Genetics Tuebingen Variant Classification Criteria Version 2. Collection method: clinical testing. Allele origin: germline. Affected: yes. Observed: 9 variant alleles.
Comment: IRF2BPL: BS1

Blueprint Genetics
Classification: Likely benign. Last evaluated: 2024-11-27. Review status: criteria provided, single submitter. Criteria: ACMG Guidelines, 2015. Collection method: clinical testing. Allele origin: germline.

NM_024496.4(IRF2BPL):c.324GCA[7] (p.Gln127_Leu128insGln)

Gene: IRF2BPL (interferon regulatory factor 2 binding protein like; minus strand). Cytogenetic location: 14q24.3.
Variant type: Microsatellite.
Coding change: c.324GCA[7] on transcript NM_024496.4 (MANE Select); seven copies in a row of the 3-base unit GCA starting at c.324; the reference has six copies in a row; one copy, 3 bases duplicated.
Protein change: p.Gln127_Leu128insGln.
Molecular consequence: inframe insertion.
Genome position (GRCh38, 1-based): chr14:77,027,452-77,027,454, TGC duplicated on the plus strand (GCA on the coding strand, the reverse complement: IRF2BPL is on the minus strand); duplicating any 3 consecutive bases within chr14:77,027,452-77,027,471 gives the same sequence; the position shown is the placement nearest the transcript's 3' end. VCF-style (leftmost placement, unchanged base first): chr14-77027451-T-TTGC. GRCh37 (hg19) VCF-style: chr14-77493794-T-TTGC.
Identifiers: ClinVar variation 2644418 (VCV002644418.25), dbSNP rs756469687, ClinGen allele CA7284017.